The following is an entry in ClinVar:

NM_000136.3(FANCC):c.1187T>A (p.Leu396Gln)

Genes: FANCC (FA complementation group C; minus strand), AOPEP (aminopeptidase O (putative); plus strand). Cytogenetic location: 9q22.32.
Variant type: single nucleotide variant.
Coding change: c.1187T>A on transcript NM_000136.3 (MANE Select); coding-DNA position 1187, T replaced by A.
Protein change: p.Leu396Gln; replaces leucine 396 with glutamine.
Molecular consequence: missense variant.
Genome position (GRCh38, 1-based): chr9:95,111,605, A>T on the plus strand (T>A on the coding strand, the complement: FANCC is on the minus strand). VCF-style: chr9-95111605-A-T. GRCh37 (hg19) VCF-style: chr9-97873887-A-T.
Other names: c.1187T>A, p.Leu396Gln (NM_001243743.2, NM_001243744.2); short protein forms L396Q.
Identifiers: ClinVar variation 2450940 (VCV002450940.2), dbSNP rs2540888178, ClinGen allele CA374107516.

ClinVar aggregate classification (germline): Uncertain significance (1 of 4 stars; one submission).

Conditions:
Hereditary cancer-predisposing syndrome. Also called: Neoplastic Syndromes, Hereditary; Tumor predisposition; Hereditary neoplastic syndrome; Hereditary Cancer Syndrome. Identifiers: Orphanet 140162, MedGen C0027672, MeSH D009386, MONDO:0015356.

Submission:

Ambry Genetics
Classification: Uncertain significance for Hereditary cancer-predisposing syndrome. Last evaluated: 2023-02-09. Review status: criteria provided, single submitter. Criteria: Ambry Variant Classification Scheme 2023. Collection method: clinical testing. Allele origin: germline.
Comment: The p.L396Q variant (also known as c.1187T>A), located in coding exon 12 of the FANCC gene, results from a T to A substitution at nucleotide position 1187. The leucine at codon 396 is replaced by glutamine, an amino acid with dissimilar properties. This amino acid position is conserved. In addition, the in silico prediction for this alteration is inconclusive. Since supporting evidence is limited at this time, the clinical significance of this alteration remains unclear.